The following is an entry in ClinVar:

ClinVar aggregate classification (germline): Uncertain significance (1 of 4 stars; one submission).

Conditions:
Asphyxiating thoracic dystrophy 5 (SRTD5). Also called: SHORT-RIB THORACIC DYSPLASIA 5 WITH OR WITHOUT POLYDACTYLY; SHORT-RIB THORACIC DYSPLASIA 5 WITHOUT POLYDACTYLY. Identifiers: Orphanet 474, MedGen C3280598, MONDO:0013717, OMIM 614376.
Senior-Loken syndrome 8 (SLSN8). Identifiers: Orphanet 3156, MedGen C4225376, MONDO:0014579, OMIM 616307.

Allele frequency attached by ClinVar (database versions not stated): gnomAD exomes 0.00002 and 0.00001; ExAC 0.00002.
gnomAD v4.1: 16 of 1,598,792 alleles (0.001%); highest among the groups gnomAD compares: South Asian, 0.018%; 1 homozygote.

Submission:

Labcorp Genetics (formerly Invitae), Labcorp
Classification: Uncertain significance for Senior-Loken syndrome 8; Asphyxiating thoracic dystrophy 5. Last evaluated: 2022-06-13. Review status: criteria provided, single submitter. Criteria: Invitae Variant Classification Sherloc (09022015). Collection method: clinical testing. Allele origin: germline.
Comment: In summary, the available evidence is currently insufficient to determine the role of this variant in disease. Therefore, it has been classified as a Variant of Uncertain Significance. Variants that disrupt the consensus splice site are a relatively common cause of aberrant splicing (PMID: 17576681, 9536098). Algorithms developed to predict the effect of sequence changes on RNA splicing suggest that this variant is not likely to affect RNA splicing. ClinVar contains an entry for this variant (Variation ID: 1024673). This variant has not been reported in the literature in individuals affected with WDR19-related conditions. This variant is present in population databases (rs771431758, gnomAD 0.02%). This sequence change falls in intron 32 of the WDR19 gene. It does not directly change the encoded amino acid sequence of the WDR19 protein. It affects a nucleotide within the consensus splice site.

Literature cited by the submitters: PubMed 17576681; PubMed 9536098.

NM_025132.4(WDR19):c.3565+4A>C

Gene: WDR19 (WD repeat domain 19; plus strand). Cytogenetic location: 4p14.
Variant type: single nucleotide variant.
Coding change: c.3565+4A>C on transcript NM_025132.4 (MANE Select); 4 bases into the intron after coding-DNA position 3565, A replaced by C.
Molecular consequence: intron variant.
Genome position (GRCh38, 1-based): chr4:39,273,065, A>C. VCF-style: chr4-39273065-A-C. GRCh37 (hg19) VCF-style: chr4-39274685-A-C.
Other names: c.3085+4A>C (NM_001317924.2).
Identifiers: ClinVar variation 1024673 (VCV001024673.6), dbSNP rs771431758, ClinGen allele CA2892416.